The following is an entry in ClinVar:

ClinVar aggregate classification (germline): Conflicting classifications of pathogenicity. Review status: criteria provided, conflicting classifications (1 of 4 stars). 6 submissions from 6 submitters: Uncertain significance (1); Benign (2); Likely benign (2). 1 of the submissions does not count toward it. Last evaluated 2026-09-11.

Conditions:
Primary hyperoxaluria, type II (HP2). Also called: Primary hyperoxaluria type 2; D-GLYCERATE DEHYDROGENASE DEFICIENCY; GLYCERIC ACIDURIA; GLYOXYLATE REDUCTASE/HYDROXYPYRUVATE REDUCTASE DEFICIENCY; OXALOSIS II. Identifiers: Orphanet 416, Orphanet 93599, MedGen C0268165, MONDO:0009824, OMIM 260000. Disease mechanism: loss of function.
GRHPR-related disorder. Also called: GRHPR-related condition.
Nephrolithiasis/nephrocalcinosis. Identifiers: MedGen CN580796.

Allele frequency attached by ClinVar (database versions not stated): 1000 Genomes Project 30x 0.00016; 1000 Genomes Project 0.00020; gnomAD exomes 0.00069 and 0.00124; gnomAD 0.00077 and 0.00078; TOPMed 0.00082; ESP Exome Variant Server 0.00108; ExAC 0.00113.
gnomAD v4.1: 1,185 of 1,613,966 alleles (0.073%); highest among the groups gnomAD compares: Non-Finnish European, 0.031%; 8 homozygotes.

Submissions (6):

PreventionGenetics, part of Exact Sciences
Classification: Benign for GRHPR-related condition. Last evaluated: 2026-09-11. Review status: criteria provided, single submitter. Criteria: ACMG Guidelines, 2015. Collection method: clinical testing. Allele origin: germline.
Comment: This variant is classified as benign based on ACMG/AMP sequence variant interpretation guidelines (Richards et al. 2015 PMID: 25741868, with internal and published modifications).

Labcorp Genetics (formerly Invitae), Labcorp
Classification: Benign. Last evaluated: 2026-01-28. Review status: criteria provided, single submitter. Criteria: Invitae Variant Classification Sherloc (09022015). Collection method: clinical testing. Allele origin: germline.

Blueprint Genetics
Classification: Likely benign. Last evaluated: 2024-11-26. Review status: criteria provided, single submitter. Criteria: ACMG Guidelines, 2015. Collection method: clinical testing. Allele origin: germline.

Ambry Genetics
Classification: Likely benign for Nephrolithiasis/nephrocalcinosis. Last evaluated: 2022-04-19. Review status: criteria provided, single submitter. Criteria: Ambry Variant Classification Scheme 2023. Collection method: clinical testing. Allele origin: germline.

Illumina Laboratory Services, Illumina
Classification: Uncertain significance for Primary hyperoxaluria, type II. Last evaluated: 2018-01-13. Review status: criteria provided, single submitter. Criteria: ICSL Variant Classification Criteria 13 December 2019. Collection method: clinical testing. Allele origin: germline.

Natera, Inc.
Classification: Benign for Primary hyperoxaluria type II. Last evaluated: 2019-10-28. Review status: no assertion criteria provided. Collection method: clinical testing. Allele origin: germline. Not counted in ClinVar's aggregate classification.

NM_012203.2(GRHPR):c.801A>C (p.Gly267=)

Gene: GRHPR (glyoxylate and hydroxypyruvate reductase; plus strand). Cytogenetic location: 9p13.2.
Variant type: single nucleotide variant.
Coding change: c.801A>C on transcript NM_012203.2 (MANE Select); coding-DNA position 801, A replaced by C.
Protein change: p.Gly267=; no amino-acid change (glycine 267 retained).
Molecular consequence: synonymous variant.
Genome position (GRCh38, 1-based): chr9:37,432,074, A>C. VCF-style: chr9-37432074-A-C. GRCh37 (hg19) VCF-style: chr9-37432071-A-C.
Identifiers: ClinVar variation 366859 (VCV000366859.20), dbSNP rs141800325, ClinGen allele CA5059268.
Genomic context (GRCh38, chr9:37,432,074, plus strand): 5'-CGTCGTAAACCAGGACGACCTGTACCAGGCCTTGGCCAGTGGTAAGATTGCAGCTGCTGG[A>C]CTGGATGTGACGAGCCCAGAACCACTGCCTACAAACCACCCTCTCCTGACCCTGAAGAAC-3'
Protein context (NP_036335.1, residues 257-277): ALASGKIAAA[Gly267=]LDVTSPEPLP